The following is an entry in ClinVar:

NM_001370658.1(BTD):c.1465C>T (p.Pro489Ser)

Gene: BTD (biotinidase; plus strand). Cytogenetic location: 3p25.1.
Variant type: single nucleotide variant.
Coding change: c.1465C>T on transcript NM_001370658.1 (MANE Select); coding-DNA position 1465, C replaced by T.
Protein change: p.Pro489Ser; replaces proline 489 with serine.
Molecular consequence: missense variant. On other transcripts: intron variant (2).
Genome position (GRCh38, 1-based): chr3:15,645,381, C>T. VCF-style: chr3-15645381-C-T. GRCh37 (hg19) VCF-style: chr3-15686888-C-T.
Other names: c.1525C>T, p.Pro509Ser (NM_000060.4); c.1465C>T, p.Pro489Ser (NM_001281723.4, NM_001281724.3, NM_001281725.3 and 16 more transcripts); c.1015+450C>T (NM_001370752.1); c.399+3324C>T (NM_001370753.1); short protein forms P489S, P509S.
Identifiers: ClinVar variation 801948 (VCV000801948.3), dbSNP rs1344607767, ClinGen allele CA351962379.

ClinVar aggregate classification (germline): Conflicting classifications of pathogenicity. Review status: criteria provided, conflicting classifications (1 of 4 stars). 2 submissions from 2 submitters: Pathogenic (1); Uncertain significance (1). Last evaluated 2026-08-06.

Conditions:
Biotinidase deficiency. Also called: BTD deficiency; Late-onset biotin-responsive multiple carboxylase deficiency; Biotin deficiency. Identifiers: Orphanet 79241, MedGen C0220754, MONDO:0009665, OMIM 253260.

Allele frequency attached by ClinVar (database versions not stated): TOPMed 0.00001.

Submissions (2):

OLLIN Analises Genomicas, OLLIN
Classification: Uncertain significance for Biotinidase deficiency. Last evaluated: 2026-08-06. Review status: criteria provided, single submitter. Criteria: ACMG Guidelines 2015 PMID 25741868. Collection method: clinical testing. Allele origin: germline. Inheritance: Autosomal recessive inheritance.
Comment: This missense variant, located in exon 4 (of 4), is absent from gnomAD and has not been identified in the literature. However, it has been reported in ClinVar (accession VCV000801948.2). In silico analysis is inconclusive regarding the impact of this variant. According to the currently available evidence, this variant has been classified as uncertain significance (PM2_P).

Mendelics
Classification: Pathogenic for Biotinidase deficiency. Last evaluated: 2019-05-28. Review status: criteria provided, single submitter. Criteria: Mendelics Assertion Criteria 2017. Collection method: clinical testing. Allele origin: unknown.